The following is an entry in ClinVar:

ClinVar aggregate classification (germline): Conflicting classifications of pathogenicity. Review status: criteria provided, conflicting classifications (1 of 4 stars). 8 submissions from 8 submitters: Uncertain significance (2); Benign (1); Likely benign (3). 2 of the submissions do not count toward it. Last evaluated 2026-07-09.

Conditions:
JAK2-related disorder. Also called: JAK2-related condition.

Allele frequency attached by ClinVar (database versions not stated): TOPMed 0.00021; ESP Exome Variant Server 0.00023; gnomAD exomes 0.00025 and 0.00031; gnomAD 0.00026 and 0.00020; ExAC 0.00037; 1000 Genomes Project 0.00120; 1000 Genomes Project 30x 0.00172.
gnomAD v4.1: 412 of 1,613,992 alleles (0.026%); highest among the groups gnomAD compares: South Asian, 0.099%; 2 homozygotes.

Submissions (8):

PreventionGenetics, part of Exact Sciences
Classification: Likely benign for JAK2-related condition. Last evaluated: 2026-07-09. Review status: criteria provided, single submitter. Criteria: ACMG Guidelines, 2015. Collection method: clinical testing. Allele origin: germline.
Comment: This variant is classified as likely benign based on ACMG/AMP sequence variant interpretation guidelines (Richards et al. 2015 PMID: 25741868, with internal and published modifications).

Labcorp Genetics (formerly Invitae), Labcorp
Classification: Benign. Last evaluated: 2025-07-28. Review status: criteria provided, single submitter. Criteria: Invitae Variant Classification Sherloc (09022015). Collection method: clinical testing. Allele origin: germline.

CeGaT Center for Human Genetics Tuebingen
Classification: Likely benign. Last evaluated: 2024-12-01. Review status: criteria provided, single submitter. Criteria: CeGaT Center For Human Genetics Tuebingen Variant Classification Criteria Version 2. Collection method: clinical testing. Allele origin: germline. Affected: yes. Observed: 2 variant alleles.
Comment: JAK2: BP4, BS2

Blueprint Genetics
Classification: Likely benign. Last evaluated: 2024-10-03. Review status: criteria provided, single submitter. Criteria: ACMG Guidelines, 2015. Collection method: clinical testing. Allele origin: germline.

Mayo Clinic Laboratories, Mayo Clinic
Classification: Uncertain significance. Last evaluated: 2024-02-16. Review status: criteria provided, single submitter. Criteria: ACMG Guidelines, 2015. Collection method: clinical testing. Allele origin: germline. Observed: 3 variant alleles.
Comment: BP4

Genetic Services Laboratory, University of Chicago
Classification: Uncertain significance. Last evaluated: 2021-08-30. Review status: criteria provided, single submitter. Criteria: ACMG Guidelines, 2015. Collection method: clinical testing. Allele origin: germline. Affected: no.
Comment: DNA sequence analysis of the JAK2 gene demonstrated a sequence change, c.143G>A, in exon 3 that results in an amino acid change, p.Gly48Glu. This sequence change has been described in the gnomAD database with a frequency of 0.1% in the South Asian sub-population and includes one homozygous individual (dbSNP rs143227399). The p.Gly48Glu change affects a moderately conserved amino acid residue located in a domain of the JAK2 protein that is known to be functional. The p.Gly48Glu substitution appears to be benign using several in-silico pathogenicity prediction tools (SIFT, PolyPhen2, Align GVGD, REVEL). This sequence change does not appear to have been previously described in individuals with JAK2-related disorders. Due to insufficient evidences and the lack of functional studies, the clinical significance of the p.Gly48Glu change remains unknown at this time.

Clinical Genetics DNA and cytogenetics Diagnostics Lab, Erasmus MC, Erasmus Medical Center
Classification: Likely benign. Review status: no assertion criteria provided. Collection method: clinical testing. Allele origin: germline. Affected: yes. Study: VKGL Data-share Consensus. Not counted in ClinVar's aggregate classification.

Genome Diagnostics Laboratory, University Medical Center Utrecht
Classification: Likely benign. Review status: no assertion criteria provided. Collection method: clinical testing. Allele origin: germline. Affected: yes. Study: VKGL Data-share Consensus. Not counted in ClinVar's aggregate classification.

NM_004972.4(JAK2):c.143G>A (p.Gly48Glu)

Genes: INSL6 (insulin like 6; minus strand), JAK2 (Janus kinase 2; plus strand). Cytogenetic location: 9p24.1.
Variant type: single nucleotide variant.
Coding change: c.143G>A on transcript NM_004972.4 (MANE Select); coding-DNA position 143, G replaced by A.
Protein change: p.Gly48Glu; replaces glycine 48 with glutamic acid.
Molecular consequence: missense variant. On other transcripts: 5 prime UTR variant (2), non-coding transcript variant (2).
Genome position (GRCh38, 1-based): chr9:5,022,130, G>A. VCF-style: chr9-5022130-G-A. GRCh37 (hg19) VCF-style: chr9-5022130-G-A.
Other names: p.Gly48Glu; c.143G>A, p.Gly48Glu (NM_001322194.2, NM_001322195.2, NM_001322196.2); c.-978G>A (NM_001322198.2, NM_001322199.2); short protein forms G48E.
Identifiers: ClinVar variation 1328042 (VCV001328042.36), dbSNP rs143227399, ClinGen allele CA4971490.